The following is an entry in ClinVar:

NM_206927.4(SYTL2):c.2535C>A (p.Asp845Glu)

Gene: SYTL2 (synaptotagmin like 2; minus strand). Cytogenetic location: 11q14.1.
Variant type: single nucleotide variant.
Coding change: c.2535C>A on transcript NM_206927.4 (MANE Select); coding-DNA position 2535, C replaced by A.
Protein change: p.Asp845Glu; replaces aspartic acid 845 with glutamic acid.
Molecular consequence: missense variant. On other transcripts: intron variant (25).
Genome position (GRCh38, 1-based): chr11:85,726,823, G>T on the plus strand (C>A on the coding strand, the complement: SYTL2 is on the minus strand). VCF-style: chr11-85726823-G-T. GRCh37 (hg19) VCF-style: chr11-85437866-G-T.
Other names: c.2532C>A, p.Asp844Glu (NM_001394447.1, NM_206928.4); c.2535C>A, p.Asp845Glu (NM_001394448.1, NM_001394449.1, NM_001394452.1); c.2454C>A, p.Asp818Glu (NM_001394450.1, NM_001394473.1); c.2451C>A, p.Asp817Glu (NM_001394451.1); c.1378+1073C>A (NM_001394468.1, NM_001394464.1, NM_001394461.1); c.1381+1073C>A (NM_001394471.1, NM_001394462.1, NM_001394472.1 and 1 more transcripts); c.1459+1073C>A (NM_001394458.1, NM_001394459.1, NM_001394456.1 and 6 more transcripts); c.1462+1073C>A (NM_001394453.1, NM_001162953.4, NM_001365826.2 and 1 more transcripts); and 3 more; short protein forms D817E, D818E, D844E, D845E.
Identifiers: ClinVar variation 2642243 (VCV002642243.24), dbSNP rs78415563, ClinGen allele CA6214410.

ClinVar aggregate classification (germline): Likely benign (1 of 4 stars; one submission).

Allele frequency attached by ClinVar (database versions not stated): 1000 Genomes Project 0.00379; 1000 Genomes Project 30x 0.00406; gnomAD 0.00634; gnomAD exomes 0.00747; ExAC 0.00830.
gnomAD v4.1: 11,227 of 1,536,264 alleles (0.73%); highest among the groups gnomAD compares: Non-Finnish European, 0.83%; 65 homozygotes.

Submission:

CeGaT Center for Human Genetics Tuebingen
Classification: Likely benign. Last evaluated: 2023-03-01. Review status: criteria provided, single submitter. Criteria: CeGaT Center For Human Genetics Tuebingen Variant Classification Criteria Version 2. Collection method: clinical testing. Allele origin: germline. Affected: yes. Observed: 1 variant allele.
Comment: SYTL2: BP4, BS2